The following is an entry in ClinVar:

ClinVar aggregate classification (germline): Conflicting classifications of pathogenicity. Review status: criteria provided, conflicting classifications (1 of 4 stars). 2 submissions from 2 submitters: Likely pathogenic (1); Uncertain significance (1). Last evaluated 2025-06-13.

Conditions:
Hereditary cancer-predisposing syndrome. Also called: Neoplastic Syndromes, Hereditary; Tumor predisposition; Hereditary Cancer Syndrome; Hereditary neoplastic syndrome. Identifiers: Orphanet 140162, MedGen C0027672, MeSH D009386, MONDO:0015356.
Ataxia-telangiectasia syndrome (AT). Also called: LOUIS-BAR SYNDROME; Cerebello-oculocutaneous telangiectasia; Immunodeficiency with ataxia telangiectasia; Ataxia-telangiectasia, complementation group D; AT, COMPLEMENTATION GROUP C; ATAXIA-TELANGIECTASIA, COMPLEMENTATION GROUP A. Identifiers: Orphanet 100, MedGen C0004135, MONDO:0008840, OMIM 208900.

Submissions (2):

Ambry Genetics
Classification: Likely pathogenic for Hereditary cancer-predisposing syndrome. Last evaluated: 2025-06-13. Review status: criteria provided, single submitter. Criteria: Ambry Variant Classification Scheme 2023. Collection method: clinical testing. Allele origin: germline.
Comment: The c.4887G>A variant (also known as p.V1629V), located in coding exon 31 of the ATM gene, results from a G to A substitution at nucleotide position 4887. This nucleotide substitution does not change the at codon 1629. However, this change occurs in the base pair of coding exon 31, which makes it likely to have some effect on normal mRNA splicing. This nucleotide position is well conserved in available vertebrate species. In silico splice site analysis predicts that this alteration may weaken the native splice donor site and will result in the creation or strengthening of a novel splice donor site. RNA studies have demonstrated that this alteration results in abnormal splicing in the set of samples tested (Ambry internal data). This variant is considered to be rare based on population cohorts in the Genome Aggregation Database (gnomAD). Based on the majority of available evidence to date, this variant is likely to be pathogenic.

Labcorp Genetics (formerly Invitae), Labcorp
Classification: Uncertain significance for Ataxia-telangiectasia syndrome. Last evaluated: 2025-04-01. Review status: criteria provided, single submitter. Criteria: Invitae Variant Classification Sherloc (09022015). Collection method: clinical testing. Allele origin: germline.
Comment: This sequence change affects codon 1629 of the ATM mRNA. It is a 'silent' change, meaning that it does not change the encoded amino acid sequence of the ATM protein. This variant is not present in population databases (gnomAD no frequency). This variant has been observed in individual(s) with ATM-related conditions (PMID: 32710489). ClinVar contains an entry for this variant (Variation ID: 1743823). Algorithms developed to predict the effect of sequence changes on RNA splicing suggest that this variant may disrupt the consensus splice site. In summary, the available evidence is currently insufficient to determine the role of this variant in disease. Therefore, it has been classified as a Variant of Uncertain Significance.

Literature cited by the submitters: PubMed 32710489 (cited by Labcorp Genetics (formerly Invitae), Labcorp).

NM_000051.4(ATM):c.4887G>A (p.Val1629=)

Gene: ATM (ATM serine/threonine kinase; plus strand). Cytogenetic location: 11q22.3.
Variant type: single nucleotide variant.
Coding change: c.4887G>A on transcript NM_000051.4 (MANE Select); coding-DNA position 4887, G replaced by A.
Protein change: p.Val1629=; no amino-acid change (valine 1629 retained).
Molecular consequence: synonymous variant.
Genome position (GRCh38, 1-based): chr11:108,295,037, G>A. VCF-style: chr11-108295037-G-A. GRCh37 (hg19) VCF-style: chr11-108165764-G-A.
Other names: c.4887G>A, p.Val1629= (NM_001351834.2).
Identifiers: ClinVar variation 1743823 (VCV001743823.6), dbSNP rs2135837530, ClinGen allele CA476674554.